The following is an entry in ClinVar:

ClinVar aggregate classification (germline): Uncertain significance. Review status: criteria provided, multiple submitters, no conflicts (2 of 4 stars). 3 submissions from 3 submitters: Uncertain significance (3). Last evaluated 2025-06-08.

Conditions:
Cardiovascular phenotype. Identifiers: MedGen CN230736.
Hypertrophic cardiomyopathy 26. Also called: Cardiomyopathy, familial hypertrophic, 26. Identifiers: Orphanet 75249, MedGen C4310749, MONDO:0014883, OMIM 617047.
Distal myopathy with posterior leg and anterior hand involvement. Also called: WILLIAMS DISTAL MYOPATHY. Identifiers: Orphanet 63273, MedGen C3279722, MONDO:0013550, OMIM 614065.
Myofibrillar myopathy 5. Also called: Filaminopathy (type); FILAMINOPATHY, AUTOSOMAL DOMINANT. Identifiers: Orphanet 171445, MedGen C1836050, MONDO:0012289, OMIM 609524.

Allele frequency attached by ClinVar (database versions not stated): gnomAD exomes below 0.00001; TOPMed below 0.00001; gnomAD 0.00001.
gnomAD v4.1: 2 of 1,613,176 alleles (0.00012%); highest among the groups gnomAD compares: Non-Finnish European, 0.00017%; no homozygotes.

Submissions (3):

Labcorp Genetics (formerly Invitae), Labcorp
Classification: Uncertain significance for Distal myopathy with posterior leg and anterior hand involvement; Myofibrillar myopathy 5; Hypertrophic cardiomyopathy 26. Last evaluated: 2025-06-08. Review status: criteria provided, single submitter. Criteria: Invitae Variant Classification Sherloc (09022015). Collection method: clinical testing. Allele origin: germline.
Comment: This sequence change replaces arginine, which is basic and polar, with histidine, which is basic and polar, at codon 2173 of the FLNC protein (p.Arg2173His). This variant is not present in population databases (gnomAD no frequency). This missense change has been observed in individual(s) with clinical features of FLNC-related conditions (PMID: 32112656). ClinVar contains an entry for this variant (Variation ID: 1753987). An algorithm developed to predict the effect of missense changes on protein structure and function (PolyPhen-2) suggests that this variant is likely to be tolerated. In summary, the available evidence is currently insufficient to determine the role of this variant in disease. Therefore, it has been classified as a Variant of Uncertain Significance.

Ambry Genetics
Classification: Uncertain significance for Cardiovascular phenotype. Last evaluated: 2023-07-12. Review status: criteria provided, single submitter. Criteria: Ambry Variant Classification Scheme 2023. Collection method: clinical testing. Allele origin: germline.
Comment: The p.R2173H variant (also known as c.6518G>A), located in coding exon 40 of the FLNC gene, results from a G to A substitution at nucleotide position 6518. The arginine at codon 2173 is replaced by histidine, an amino acid with highly similar properties. This variant has been detected in a dilated cardiomyopathy cohorts; however, details were not provided (Verdonschot JAJ et al. Hum. Mutat., 2020 Jun;41:1091-1111; Mori V et al. Int J Cardiol Heart Vasc. 2022 Jun;40:101023). This amino acid position is highly conserved in available vertebrate species. In addition, the in silico prediction for this alteration is inconclusive. Since supporting evidence is limited at this time, the clinical significance of this alteration remains unclear.

Revvity Omics, Revvity
Classification: Uncertain significance. Last evaluated: 2022-03-08. Review status: criteria provided, single submitter. Criteria: ACMG Guidelines, 2015. Collection method: clinical testing. Allele origin: germline.

Literature cited by the submitters: PubMed 32112656 (cited by Labcorp Genetics (formerly Invitae), Labcorp and Ambry Genetics); PubMed 35463915 (cited by Ambry Genetics); PubMed 37280362 (cited by Ambry Genetics).

NM_001458.5(FLNC):c.6518G>A (p.Arg2173His)

Genes: FLNC (filamin C; plus strand), FLNC-AS1 (FLNC antisense RNA 1; minus strand). Cytogenetic location: 7q32.1.
Variant type: single nucleotide variant.
Coding change: c.6518G>A on transcript NM_001458.5 (MANE Select); coding-DNA position 6518, G replaced by A.
Protein change: p.Arg2173His; replaces arginine 2173 with histidine.
Molecular consequence: missense variant.
Genome position (GRCh38, 1-based): chr7:128,854,007, G>A. VCF-style: chr7-128854007-G-A. GRCh37 (hg19) VCF-style: chr7-128494061-G-A.
Other names: c.6419G>A, p.Arg2140His (NM_001127487.2); short protein forms R2140H, R2173H.
Identifiers: ClinVar variation 1753987 (VCV001753987.11), dbSNP rs1282230388, ClinGen allele CA369212737.